The following is an entry in ClinVar:

NM_018896.5(CACNA1G):c.1613C>G (p.Ser538Trp)

Gene: CACNA1G (calcium voltage-gated channel subunit alpha1 G; plus strand). Cytogenetic location: 17q21.33.
Variant type: single nucleotide variant.
Coding change: c.1613C>G on transcript NM_018896.5 (MANE Select); coding-DNA position 1613, C replaced by G.
Protein change: p.Ser538Trp; replaces serine 538 with tryptophan.
Molecular consequence: missense variant. On other transcripts: non-coding transcript variant (5).
Genome position (GRCh38, 1-based): chr17:50,576,015, C>G. VCF-style: chr17-50576015-C-G. GRCh37 (hg19) VCF-style: chr17-48653376-C-G.
Other names: c.1613C>G, p.Ser538Trp (NM_001256324.2, NM_001256325.2, NM_001256326.2 and 24 more transcripts); short protein forms S538W.
Identifiers: ClinVar variation 2580515 (VCV002580515.1), dbSNP rs1207803861, ClinGen allele CA400238127.

ClinVar aggregate classification (germline): Uncertain significance (1 of 4 stars; one submission).

Allele frequency attached by ClinVar (database versions not stated): TOPMed below 0.00001; gnomAD 0.00001.
gnomAD v4.1: 3 of 1,560,458 alleles (0.00019%); highest among the groups gnomAD compares: African/African-American, 0.0027%; no homozygotes.

Submission:

GeneDx
Classification: Uncertain significance. Last evaluated: 2023-03-20. Review status: criteria provided, single submitter. Criteria: GeneDx Variant Classification Process June 2021. Collection method: clinical testing. Allele origin: germline. Affected: yes.
Comment: Not observed at significant frequency in large population cohorts (gnomAD); In silico analysis supports that this missense variant has a deleterious effect on protein structure/function; Has not been previously published as pathogenic or benign to our knowledge